The following is an entry in ClinVar:

NM_005859.5(PURA):c.223C>G (p.Leu75Val)

Gene: PURA (purine rich element binding protein A; plus strand). Cytogenetic location: 5q31.3.
Variant type: single nucleotide variant.
Coding change: c.223C>G on transcript NM_005859.5 (MANE Select); coding-DNA position 223, C replaced by G.
Protein change: p.Leu75Val; replaces leucine 75 with valine.
Molecular consequence: missense variant.
Genome position (GRCh38, 1-based): chr5:140,114,404, C>G. VCF-style: chr5-140114404-C-G. GRCh37 (hg19) VCF-style: chr5-139493989-C-G.
Other names: short protein forms L75V.
Identifiers: ClinVar variation 4709795 (VCV004709795.1).

ClinVar aggregate classification (germline): Uncertain significance (1 of 4 stars; one submission).

Conditions:
PURA-related severe neonatal hypotonia-seizures-encephalopathy syndrome (NEDRIHF). Also called: PURA-Related Neurodevelopmental Disorders; NEURODEVELOPMENTAL DISORDER WITH NEONATAL RESPIRATORY INSUFFICIENCY, HYPOTONIA, AND FEEDING DIFFICULTIES. Identifiers: Orphanet 438213, Orphanet 438216, MedGen C4015357, MONDO:1060108, OMIM 616158, MONDO:0018580.

Submission:

Labcorp Genetics (formerly Invitae), Labcorp
Classification: Uncertain significance for PURA-related severe neonatal hypotonia-seizures-encephalopathy syndrome. Last evaluated: 2025-08-20. Review status: criteria provided, single submitter. Criteria: Invitae Variant Classification Sherloc (09022015). Collection method: clinical testing. Allele origin: germline.
Comment: This sequence change replaces leucine, which is neutral and non-polar, with valine, which is neutral and non-polar, at codon 75 of the PURA protein (p.Leu75Val). This variant is not present in population databases (gnomAD no frequency). This variant has not been reported in the literature in individuals affected with PURA-related conditions. Invitae Evidence Modeling of protein sequence and biophysical properties (such as structural, functional, and spatial information, amino acid conservation, physicochemical variation, residue mobility, and thermodynamic stability) has been performed for this missense variant. However, the output from this modeling did not meet the statistical confidence thresholds required to predict the impact of this variant on PURA protein function. In summary, the available evidence is currently insufficient to determine the role of this variant in disease. Therefore, it has been classified as a Variant of Uncertain Significance.